The following is an entry in ClinVar:

ClinVar aggregate classification (germline): Conflicting classifications of pathogenicity. Review status: criteria provided, conflicting classifications (1 of 4 stars). 2 submissions from 2 submitters: Uncertain significance (1); Likely benign (1). Last evaluated 2025-04-02.

Allele frequency attached by ClinVar (database versions not stated): 1000 Genomes Project 30x 0.00016; gnomAD exomes 0.00093 and 0.00197; ESP Exome Variant Server 0.00138; gnomAD 0.00093 and 0.00100; TOPMed 0.00092; ExAC 0.00097.
gnomAD v4.1: 2,937 of 1,611,466 alleles (0.18%); highest among the groups gnomAD compares: Non-Finnish European, 0.24%; 3 homozygotes.

Submissions (2):

Labcorp Genetics (formerly Invitae), Labcorp
Classification: Likely benign. Last evaluated: 2025-04-02. Review status: criteria provided, single submitter. Criteria: Invitae Variant Classification Sherloc (09022015). Collection method: clinical testing. Allele origin: germline.

GeneDx
Classification: Uncertain significance. Last evaluated: 2024-09-22. Review status: criteria provided, single submitter. Criteria: GeneDx Variant Classification Process June 2021. Collection method: clinical testing. Allele origin: germline.
Comment: Reported in a patient with a mitral valve defect who also harbored an additional missense variant in the PLD1 gene in trans (PMID: 33645542); In silico analysis supports that this missense variant has a deleterious effect on protein structure/function; This variant is associated with the following publications: (PMID: 34662886, 33645542)

NM_002662.5(PLD1):c.709G>T (p.Gly237Cys)

Gene: PLD1 (phospholipase D1; minus strand). Cytogenetic location: 3q26.31.
Variant type: single nucleotide variant.
Coding change: c.709G>T on transcript NM_002662.5 (MANE Select); coding-DNA position 709, G replaced by T.
Protein change: p.Gly237Cys; replaces glycine 237 with cysteine.
Molecular consequence: missense variant.
Genome position (GRCh38, 1-based): chr3:171,724,745, C>A on the plus strand (G>T on the coding strand, the complement: PLD1 is on the minus strand). VCF-style: chr3-171724745-C-A. GRCh37 (hg19) VCF-style: chr3-171442535-C-A.
Other names: c.709G>T, p.Gly237Cys (NM_001130081.3); short protein forms G237C.
Identifiers: ClinVar variation 1587784 (VCV001587784.10), dbSNP rs149535568, ClinGen allele CA2704859.